The following is an entry in ClinVar:

NM_001277115.2(DNAH11):c.412G>A (p.Gly138Arg)

Gene: DNAH11 (dynein axonemal heavy chain 11; plus strand). Cytogenetic location: 7p15.3.
Variant type: single nucleotide variant.
Coding change: c.412G>A on transcript NM_001277115.2 (MANE Select); coding-DNA position 412, G replaced by A.
Protein change: p.Gly138Arg; replaces glycine 138 with arginine.
Molecular consequence: missense variant.
Genome position (GRCh38, 1-based): chr7:21,545,066, G>A. VCF-style: chr7-21545066-G-A. GRCh37 (hg19) VCF-style: chr7-21584684-G-A.
Other names: short protein forms G138R.
Identifiers: ClinVar variation 947199 (VCV000947199.10), dbSNP rs1216804983, ClinGen allele CA366931825.

ClinVar aggregate classification (germline): Uncertain significance (1 of 4 stars; one submission).

Conditions:
Primary ciliary dyskinesia. Also called: Ciliary dyskinesia. Identifiers: Orphanet 244, MedGen C0008780, MONDO:0016575, HP:0012265.

gnomAD v4.1: 1 of 1,604,758 alleles (0.000062%); no homozygotes.

Submission:

Labcorp Genetics (formerly Invitae), Labcorp
Classification: Uncertain significance for Primary ciliary dyskinesia. Last evaluated: 2019-05-12. Review status: criteria provided, single submitter. Criteria: Invitae Variant Classification Sherloc (09022015). Collection method: clinical testing. Allele origin: germline.
Comment: Algorithms developed to predict the effect of missense changes on protein structure and function (SIFT, PolyPhen-2, Align-GVGD) all suggest that this variant is likely to be tolerated, but these predictions have not been confirmed by published functional studies and their clinical significance is uncertain. This variant has not been reported in the literature in individuals with DNAH11-related conditions. This variant is not present in population databases (ExAC no frequency). This sequence change replaces glycine with arginine at codon 138 of the DNAH11 protein (p.Gly138Arg). The glycine residue is moderately conserved and there is a moderate physicochemical difference between glycine and arginine. In summary, the available evidence is currently insufficient to determine the role of this variant in disease. Therefore, it has been classified as a Variant of Uncertain Significance.